The following is an entry in ClinVar:

NM_144666.3(DNHD1):c.1482C>T (p.Tyr494=)

Gene: DNHD1 (dynein heavy chain domain 1; plus strand). Cytogenetic location: 11p15.4.
Variant type: single nucleotide variant.
Coding change: c.1482C>T on transcript NM_144666.3 (MANE Select); coding-DNA position 1482, C replaced by T.
Protein change: p.Tyr494=; no amino-acid change (tyrosine 494 retained).
Molecular consequence: synonymous variant.
Genome position (GRCh38, 1-based): chr11:6,519,689, C>T. VCF-style: chr11-6519689-C-T. GRCh37 (hg19) VCF-style: chr11-6540919-C-T.
Other names: c.1482C>T, p.Tyr494= (NM_173589.4).
Identifiers: ClinVar variation 776567 (VCV000776567.6), dbSNP rs114704893, ClinGen allele CA5855605.

ClinVar aggregate classification (germline): Benign. Review status: criteria provided, single submitter (1 of 4 stars). 2 submissions from 2 submitters: Benign (1). 1 of the submissions does not count toward it. Last evaluated 2019-12-31.

Conditions:
DNHD1-related disorder. Also called: DNHD1-related condition.

Allele frequency attached by ClinVar (database versions not stated): gnomAD exomes 0.00216; ExAC 0.00282; 1000 Genomes Project 0.00879; gnomAD 0.00888 and 0.00958; 1000 Genomes Project 30x 0.00937; TOPMed 0.01006; ESP Exome Variant Server 0.01070.
gnomAD v4.1: 2,515 of 1,614,166 alleles (0.16%); highest among the groups gnomAD compares: African/African-American, 3%; 32 homozygotes.

Submissions (2):

Labcorp Genetics (formerly Invitae), Labcorp
Classification: Benign. Last evaluated: 2019-12-31. Review status: criteria provided, single submitter. Criteria: Invitae Variant Classification Sherloc (09022015). Collection method: clinical testing. Allele origin: germline.

PreventionGenetics, part of Exact Sciences
Classification: Benign for DNHD1-related condition. Last evaluated: 2019-10-04. Review status: no assertion criteria provided. Collection method: clinical testing. Allele origin: germline. Not counted in ClinVar's aggregate classification.
Comment: This variant is classified as benign based on ACMG/AMP sequence variant interpretation guidelines (Richards et al. 2015 PMID: 25741868, with internal and published modifications).